The following is an entry in ClinVar:

NM_002693.3(POLG):c.695G>A (p.Arg232His)

Genes: POLG (DNA polymerase gamma, catalytic subunit; minus strand), POLGARF (POLG alternative reading frame; minus strand). Cytogenetic location: 15q26.1.
Variant type: single nucleotide variant.
Coding change: c.695G>A on transcript NM_002693.3 (MANE Select); coding-DNA position 695, G replaced by A.
Protein change: p.Arg232His; replaces arginine 232 with histidine.
Molecular consequence: missense variant.
Genome position (GRCh38, 1-based): chr15:89,330,241, C>T on the plus strand (G>A on the coding strand, the complement: POLG is on the minus strand). VCF-style: chr15-89330241-C-T. GRCh37 (hg19) VCF-style: chr15-89873472-C-T.
Other names: c.695G>A, p.Arg232His (NM_001126131.2); short protein forms R232H.
Identifiers: ClinVar variation 21319 (VCV000021319.12), dbSNP rs113994093, ClinGen allele CA341891.

ClinVar aggregate classification (germline): Pathogenic. Review status: criteria provided, multiple submitters, no conflicts (2 of 4 stars). 4 submissions from 4 submitters: Pathogenic (3). 1 of the submissions does not count toward it. Last evaluated 2024-12-12.

Conditions:
Mitochondrial DNA depletion syndrome. Also called: mitochondrial DNA depletion. Identifiers: Orphanet 35698, MedGen C0342782, MONDO:0018158.
Mitochondrial disease. Also called: Mitochondrial disorder; Mitochondrial disorders. Identifiers: Orphanet 68380, MedGen C0751651, MeSH D028361, MONDO:0044970.
Progressive sclerosing poliodystrophy (MTDPS4A). Also called: ALPERS PROGRESSIVE INFANTILE POLIODYSTROPHY; ALPERS DIFFUSE DEGENERATION OF CEREBRAL GRAY MATTER WITH HEPATIC CIRRHOSIS; Alpers-Huttenlocher Syndrome; Alpers Syndrome; Mitochondrial DNA depletion syndrome 4A (Alpers type); Mitochondrial DNA Depletion Syndrome 4A. Identifiers: Orphanet 726, MedGen C0205710, MONDO:0008758, OMIM 203700.

Allele frequency attached by ClinVar (database versions not stated): ExAC 0.00001; gnomAD 0.00001; TOPMed 0.00001; gnomAD exomes 0.00001.
gnomAD v4.1: 14 of 1,612,638 alleles (0.00087%); highest among the groups gnomAD compares: Non-Finnish European, 0.0011%; no homozygotes.

Submissions (4):

Women's Health and Genetics/Laboratory Corporation of America, LabCorp
Classification: Pathogenic for Mitochondrial DNA depletion syndrome. Last evaluated: 2024-12-12. Review status: criteria provided, single submitter. Criteria: LabCorp Variant Classification Summary - May 2015. Collection method: clinical testing. Allele origin: germline.
Comment: Variant summary: POLG c.695G>A (p.Arg232His) results in a non-conservative amino acid change in the encoded protein sequence. Four of five in-silico tools predict a damaging effect of the variant on protein function. The variant allele was found at a frequency of 1.2e-05 in 248466 control chromosomes (gnomAD). c.695G>A has been reported in the literature in multiple individuals affected with Mitochondrial DNA Depletion Syndrome - POLG Related (e.g. Gui_2015, Hunter_2011, Kuster_2018). These data indicate that the variant is very likely to be associated with disease. At least one publication reports experimental evidence evaluating an impact on protein function, finding that the variant results in reduced holoenzyme activity (Lee_2010). The following publications have been ascertained in the context of this evaluation (PMID: 25585994, 20513922, 28924877, 22000311). ClinVar contains an entry for this variant (Variation ID: 21319). Based on the evidence outlined above, the variant was classified as pathogenic.

GeneDx
Classification: Pathogenic. Last evaluated: 2024-11-22. Review status: criteria provided, single submitter. Criteria: GeneDx Variant Classification Process June 2021. Collection method: clinical testing. Allele origin: germline. Affected: yes.
Comment: Published functional studies demonstrate a reduction in DNA processivity and polymerase gamma holoenzyme steady state levels (PMID: 20513922, 26095671); Not observed at significant frequency in large population cohorts (gnomAD); In silico analysis indicates that this missense variant does not alter protein structure/function; This variant is associated with the following publications: (PMID: 25585994, 23430834, 20301791, 18828154, 22237560, 23921535, 17088268, 26095671, 16896309, 18195151, 22000311, 27538604, 27475922, 26056153, 24508722, 32391929, 36732629, 34986040, 38754044, 38975049, 28471437, 20513922)

Labcorp Genetics (formerly Invitae), Labcorp
Classification: Pathogenic for Progressive sclerosing poliodystrophy. Last evaluated: 2024-02-01. Review status: criteria provided, single submitter. Criteria: Invitae Variant Classification Sherloc (09022015). Collection method: clinical testing. Allele origin: germline.
Comment: This sequence change replaces arginine, which is basic and polar, with histidine, which is basic and polar, at codon 232 of the POLG protein (p.Arg232His). This variant is present in population databases (rs113994093, gnomAD 0.003%). This missense change has been observed in individual(s) with autosomal recessive POLG-related conditions (PMID: 16896309, 18195151, 18828154, 22000311, 25585994, 27538604, 28471437). In at least one individual the data is consistent with being in trans (on the opposite chromosome) from a pathogenic variant. This variant has been reported in individual(s) with autosomal dominant POLG-related conditions (PMID: 23921535); however, the role of the variant in this condition is currently unclear. ClinVar contains an entry for this variant (Variation ID: 21319). Advanced modeling of protein sequence and biophysical properties (such as structural, functional, and spatial information, amino acid conservation, physicochemical variation, residue mobility, and thermodynamic stability) performed at Invitae indicates that this missense variant is expected to disrupt POLG protein function with a positive predictive value of 80%. Experimental studies have shown that this missense change affects POLG function (PMID: 20513922, 26095671). This variant disrupts the p.Arg232 amino acid residue in POLG. Other variant(s) that disrupt this residue have been observed in individuals with POLG-related conditions (PMID: 15689359), which suggests that this may be a clinically significant amino acid residue. For these reasons, this variant has been classified as Pathogenic.

GeneReviews
No classification provided. Condition: Mitochondrial disease. Review status: no classification provided. Collection method: literature only. Allele origin: germline. Not counted in ClinVar's aggregate classification.

Literature cited by the submitters: PubMed 28924877 (cited by Women's Health and Genetics/Laboratory Corporation of America, LabCorp); PubMed 22000311 (cited by Women's Health and Genetics/Laboratory Corporation of America, LabCorp and Labcorp Genetics (formerly Invitae), Labcorp); PubMed 25585994 (cited by Women's Health and Genetics/Laboratory Corporation of America, LabCorp and Labcorp Genetics (formerly Invitae), Labcorp); PubMed 20513922 (cited by Women's Health and Genetics/Laboratory Corporation of America, LabCorp and Labcorp Genetics (formerly Invitae), Labcorp); PubMed 16896309 (cited by Labcorp Genetics (formerly Invitae), Labcorp); PubMed 18195151 (cited by Labcorp Genetics (formerly Invitae), Labcorp); PubMed 18828154 (cited by Labcorp Genetics (formerly Invitae), Labcorp); PubMed 27538604 (cited by Labcorp Genetics (formerly Invitae), Labcorp); PubMed 28471437 (cited by Labcorp Genetics (formerly Invitae), Labcorp); PubMed 23921535 (cited by Labcorp Genetics (formerly Invitae), Labcorp); PubMed 26095671 (cited by Labcorp Genetics (formerly Invitae), Labcorp); PubMed 15689359 (cited by Labcorp Genetics (formerly Invitae), Labcorp); NCBI Bookshelf NBK26471 (cited by GeneReviews).